The following is an entry in ClinVar:

ClinVar aggregate classification (germline): Uncertain significance (1 of 4 stars; one submission).

Conditions:
Familial cancer of breast. Also called: BREAST CANCER, FAMILIAL; hereditary breast carcinoma; Hereditary breast cancer. Identifiers: Orphanet 227535, MedGen C0346153, MONDO:0016419, OMIM 114480. Disease mechanism: loss of function.

Submission:

Labcorp Genetics (formerly Invitae), Labcorp
Classification: Uncertain significance for Hereditary Breast Carcinoma. Last evaluated: 2019-11-23. Review status: criteria provided, single submitter. Criteria: Invitae Variant Classification Sherloc (09022015). Collection method: clinical testing. Allele origin: germline.
Comment: A gross duplication of the genomic region encompassing the full coding sequence of the BARD1 gene has been identified. The boundaries of this event are unknown as the duplication extends beyond the assayed region for this gene and therefore may encompass additional genes. As the precise location of this duplication is unknown, it may be in tandem or it may be located elsewhere in the genome. This variant has not been reported in the literature in individuals with BARD1-related disease. In summary, the available evidence is currently insufficient to determine the role of this variant in disease. Therefore, it has been classified as a Variant of Uncertain Significance.

NC_000002.11:g.(?_215593394)_(215674299_?)dup

Genes: BARD1 (BRCA1 associated RING domain 1; minus strand), LOC129935542 (ATAC-STARR-seq lymphoblastoid active region 17072; plus strand), LOC129935540 (ATAC-STARR-seq lymphoblastoid active region 17070; plus strand), LOC129935543 (ATAC-STARR-seq lymphoblastoid active region 17073; plus strand), LOC129935541 (ATAC-STARR-seq lymphoblastoid active region 17071; plus strand). Cytogenetic location: 2q35.
Variant type: Duplication.
Identifiers: ClinVar variation 460645 (VCV000460645.3).